The following is an entry in ClinVar:

NM_000168.6(GLI3):c.33T>C (p.Thr11=)

Gene: GLI3 (GLI family zinc finger 3; minus strand). Cytogenetic location: 7p14.1.
Variant type: single nucleotide variant.
Coding change: c.33T>C on transcript NM_000168.6 (MANE Select); coding-DNA position 33, T replaced by C.
Protein change: p.Thr11=; no amino-acid change (threonine 11 retained).
Molecular consequence: synonymous variant.
Genome position (GRCh38, 1-based): chr7:42,223,221, A>G on the plus strand (T>C on the coding strand, the complement: GLI3 is on the minus strand). VCF-style: chr7-42223221-A-G. GRCh37 (hg19) VCF-style: chr7-42262820-A-G.
Identifiers: ClinVar variation 4979628 (VCV004979628.1).
Genomic context (GRCh38, chr7:42,223,221, plus strand): 5'-CTCGCTCACATCTGTTCGAGTGGAGCACTTCACTATGGAATTCTCAACTTTTTTCTTTTC[A>G]GTGGTCGTGGAGCTGTGGGACTGGGCCTCCATGATGTCTTCTCATTACTTCAGCTCTCTT-3'
Protein context (NP_000159.3, residues 1-21): MEAQSHSSTT[Thr11=]EKKKVENSIV

ClinVar aggregate classification (germline): Likely benign (1 of 4 stars; one submission).

Conditions:
GLI3-related disorder. Also called: GLI3-related condition; GLI3-related disorders. Identifiers: MedGen CN239292.

gnomAD v4.1: 36 of 1,613,532 alleles (0.0022%); highest among the groups gnomAD compares: East Asian, 0.074%; no homozygotes.

Submission:

PreventionGenetics, part of Exact Sciences
Classification: Likely benign for GLI3-related condition. Last evaluated: 2026-03-03. Review status: criteria provided, single submitter. Criteria: ACMG Guidelines, 2015. Collection method: clinical testing. Allele origin: germline.
Comment: This variant is classified as likely benign based on ACMG/AMP sequence variant interpretation guidelines (Richards et al. 2015 PMID: 25741868, with internal and published modifications).